The following is an entry in ClinVar:

ClinVar aggregate classification (germline): Uncertain significance (1 of 4 stars; one submission).

Conditions:
Epidermolysis bullosa simplex 3, localized or generalized intermediate, with BP230 deficiency (EBS3). Also called: Epidermolysis bullosa simplex due to BP230 deficiency; Epidermolysis bullosa simplex, autosomal recessive 2. Identifiers: Orphanet 412181, MedGen C3809470, MONDO:0014180, OMIM 615425.
Hereditary sensory and autonomic neuropathy type 6. Also called: HSAN VI; Neuropathy, hereditary sensory and autonomic, type VI. Identifiers: Orphanet 314381, MedGen C3539003, MONDO:0013839, OMIM 614653.

Allele frequency attached by ClinVar (database versions not stated): gnomAD exomes below 0.00001.
gnomAD v4.1: 6 of 1,564,488 alleles (0.00038%); highest among the groups gnomAD compares: Non-Finnish European, 0.00052%; no homozygotes.

Submission:

Labcorp Genetics (formerly Invitae), Labcorp
Classification: Uncertain significance for Epidermolysis bullosa simplex 3, localized or generalized intermediate, with BP230 deficiency; Hereditary sensory and autonomic neuropathy type 6. Last evaluated: 2023-07-14. Review status: criteria provided, single submitter. Criteria: Invitae Variant Classification Sherloc (09022015). Collection method: clinical testing. Allele origin: germline.
Comment: In summary, the available evidence is currently insufficient to determine the role of this variant in disease. Therefore, it has been classified as a Variant of Uncertain Significance. This variant has not been reported in the literature in individuals affected with DST-related conditions. This variant is not present in population databases (gnomAD no frequency). This sequence change affects codon 4603 of the DST mRNA. It is a 'silent' change, meaning that it does not change the encoded amino acid sequence of the DST protein. The DST gene has multiple clinically relevant transcripts. This variant occurs in alternate transcript NM_015548.4, and corresponds to NM_001723.5:c.*139182G>A in the primary transcript.

NM_001374736.1(DST):c.21678G>A (p.Val7226=)

Gene: DST (dystonin; minus strand). Cytogenetic location: 6p12.1.
Variant type: single nucleotide variant.
Coding change: c.21678G>A on transcript NM_001374736.1 (MANE Select); coding-DNA position 21678, G replaced by A.
Protein change: p.Val7226=; no amino-acid change (valine 7226 retained).
Molecular consequence: synonymous variant.
Genome position (GRCh38, 1-based): chr6:56,476,335, C>T on the plus strand (G>A on the coding strand, the complement: DST is on the minus strand). VCF-style: chr6-56476335-C-T. GRCh37 (hg19) VCF-style: chr6-56341133-C-T.
Other names: c.15321G>A, p.Val5107= (NM_001144769.5); c.14907G>A, p.Val4969= (NM_001144770.2); c.21678G>A, p.Val7226= (NM_001374722.1); c.20718G>A, p.Val6906= (NM_001374729.1); c.14460G>A, p.Val4820= (NM_001374730.1); c.21705G>A, p.Val7235= (NM_001374734.1); c.14787G>A, p.Val4929= (NM_001386100.1, NM_183380.4); c.13809G>A, p.Val4603= (NM_015548.5).
Identifiers: ClinVar variation 1055924 (VCV001055924.7), dbSNP rs1259557499, ClinGen allele CA450487233.